The following is an entry in ClinVar:

ClinVar aggregate classification (germline): Benign. Review status: criteria provided, multiple submitters, no conflicts (2 of 4 stars). 2 submissions from 2 submitters: Benign (2). Last evaluated 2018-01-13.

Conditions:
Legius syndrome. Identifiers: Orphanet 137605, MedGen C1969623, MONDO:0012669, OMIM 611431. Disease mechanism: loss of function.

Allele frequency attached by ClinVar (database versions not stated): 1000 Genomes Project 30x 0.74641; TOPMed 0.75029; 1000 Genomes Project 0.75379; gnomAD 0.76725 and 0.77436.

Submissions (2):

Illumina Laboratory Services, Illumina
Classification: Benign for Legius syndrome. Last evaluated: 2018-01-13. Review status: criteria provided, single submitter. Criteria: ICSL Variant Classification Criteria 13 December 2019. Collection method: clinical testing. Allele origin: germline.
Comment: This variant was observed in the ICSL laboratory as part of a predisposition screen in an ostensibly healthy population. It had not been previously curated by ICSL or reported in the Human Gene Mutation Database (HGMD: prior to June 1st, 2018), and was therefore a candidate for classification through an automated scoring system. Utilizing variant allele frequency, disease prevalence and penetrance estimates, and inheritance mode, an automated score was calculated to assess if this variant is too frequent to cause the disease. Based on the score and internal cut-off values, a variant classified as benign is not then subjected to further curation. The score for this variant resulted in a classification of benign for this disease.

Breakthrough Genomics
Classification: Benign. Review status: criteria provided, single submitter. Criteria: ACMG Guidelines, 2015. Collection method: not provided. Allele origin: germline. Inheritance: Autosomal dominant inheritance. Affected: yes.

NM_152594.3(SPRED1):c.*5110C>T

Gene: SPRED1 (sprouty related EVH1 domain containing 1; plus strand). Cytogenetic location: 15q14.
Variant type: single nucleotide variant.
Coding change: c.*5110C>T on transcript NM_152594.3 (MANE Select); 5110 bases downstream of the stop codon, C replaced by T.
Molecular consequence: 3 prime UTR variant.
Genome position (GRCh38, 1-based): chr15:38,356,774, C>T. VCF-style: chr15-38356774-C-T. GRCh37 (hg19) VCF-style: chr15-38648975-C-T.
Identifiers: ClinVar variation 315789 (VCV000315789.6), dbSNP rs8026118, ClinGen allele CA10635930.